The following is an entry in ClinVar:

ClinVar aggregate classification (germline): Uncertain significance (1 of 4 stars; one submission).

Allele frequency attached by ClinVar (database versions not stated): gnomAD exomes below 0.00001; TOPMed below 0.00001; gnomAD 0.00001.
gnomAD v4.1: 4 of 1,613,692 alleles (0.00025%); highest among the groups gnomAD compares: Non-Finnish European, 0.00017%; no homozygotes.

Submission:

Center for Pediatric Genomic Medicine, Children's Mercy Hospital and Clinics
Classification: Uncertain significance. Last evaluated: 2016-01-21. Review status: criteria provided, single submitter. Criteria: ACMG Guidelines, 2015. Collection method: clinical testing. Allele origin: germline.
ClinVar note: Converted during submission from Uncertain Significance to Uncertain significance.

NM_152564.5(VPS13B):c.5087T>C (p.Val1696Ala)

Gene: VPS13B (vacuolar protein sorting 13 homolog B; plus strand). Cytogenetic location: 8q22.2.
Variant type: single nucleotide variant.
Coding change: c.5087T>C on transcript NM_152564.5 (MANE Select); coding-DNA position 5087, T replaced by C.
Protein change: p.Val1696Ala; replaces valine 1696 with alanine.
Molecular consequence: missense variant.
Genome position (GRCh38, 1-based): chr8:99,577,500, T>C. VCF-style: chr8-99577500-T-C. GRCh37 (hg19) VCF-style: chr8-100589728-T-C.
Other names: c.5162T>C, p.Val1721Ala (NM_017890.5); short protein forms V1696A, V1721A.
Identifiers: ClinVar variation 235268 (VCV000235268.2), dbSNP rs878852995, ClinGen allele CA10581259.
Genomic context (GRCh38, chr8:99,577,500, plus strand): 5'-TCTGAAAGCTATCATGTTTCTTTATCTGTATTCTACCGTTTTTGCTTCAGGAGATTTTAG[T>C]GTGTGGCCATTCCTTAGAAGTGAATATAACCACAAACCTGGACTTCTTCCTAAGTGTGGC-3'
Protein context (NP_689777.3, residues 1686-1706): PENLHTEEIL[Val1696Ala]CGHSLEVNIT